The following is an entry in ClinVar:

ClinVar aggregate classification (germline): Uncertain significance (1 of 4 stars; one submission).

Conditions:
Inborn genetic diseases. Identifiers: MedGen C0950123, MeSH D030342.

Submission:

Ambry Genetics
Classification: Uncertain significance for Inborn genetic diseases. Last evaluated: 2025-03-11. Review status: criteria provided, single submitter. Criteria: Ambry Variant Classification Scheme 2023. Collection method: clinical testing. Allele origin: germline.
Comment: The p.L275V variant (also known as c.823C>G), located in coding exon 8 of the AKT1 gene, results from a C to G substitution at nucleotide position 823. The leucine at codon 275 is replaced by valine, an amino acid with highly similar properties. This amino acid position is conserved. In addition, the in silico prediction for this alteration is inconclusive. Based on the available evidence, the clinical significance of this variant remains unclear.

NM_001382430.1(AKT1):c.823C>G (p.Leu275Val)

Gene: AKT1 (AKT serine/threonine kinase 1; minus strand). Cytogenetic location: 14q32.33.
Variant type: single nucleotide variant.
Coding change: c.823C>G on transcript NM_001382430.1 (MANE Select); coding-DNA position 823, C replaced by G.
Protein change: p.Leu275Val; replaces leucine 275 with valine.
Molecular consequence: missense variant.
Genome position (GRCh38, 1-based): chr14:104,773,460, G>C on the plus strand (C>G on the coding strand, the complement: AKT1 is on the minus strand). VCF-style: chr14-104773460-G-C. GRCh37 (hg19) VCF-style: chr14-105239797-G-C.
Other names: c.823C>G, p.Leu275Val (NM_001014431.2, NM_001014432.2, NM_001382431.1 and 3 more transcripts); short protein forms L275V.
Identifiers: ClinVar variation 3850840 (VCV003850840.1).